The following is an entry in ClinVar:

ClinVar aggregate classification (germline): Uncertain significance (1 of 4 stars; one submission).

Submission:

GeneDx
Classification: Uncertain significance. Last evaluated: 2026-04-06. Review status: criteria provided, single submitter. Criteria: GeneDx Variant Classification Process June 2021. Collection method: clinical testing. Allele origin: germline.
Comment: Not observed at significant frequency in large population cohorts (gnomAD); In silico analysis suggests that this missense variant does not alter protein structure/function; Has not been previously published as pathogenic or benign to our knowledge

NM_015047.3(EMC1):c.2311C>T (p.His771Tyr)

Genes: EMC1 (ER membrane protein complex subunit 1; minus strand), EMC1-AS1 (EMC1 antisense RNA 1; plus strand). Cytogenetic location: 1p36.13.
Variant type: single nucleotide variant.
Coding change: c.2311C>T on transcript NM_015047.3 (MANE Select); coding-DNA position 2311, C replaced by T.
Protein change: p.His771Tyr; replaces histidine 771 with tyrosine.
Molecular consequence: missense variant.
Genome position (GRCh38, 1-based): chr1:19,223,461, G>A on the plus strand (C>T on the coding strand, the complement: EMC1 is on the minus strand). VCF-style: chr1-19223461-G-A. GRCh37 (hg19) VCF-style: chr1-19549955-G-A.
Other names: c.2308C>T, p.His770Tyr (NM_001271427.2, NM_001271428.2); c.2245C>T, p.His749Tyr (NM_001271429.2); c.2320C>T, p.His774Tyr (NM_001375820.1); c.2317C>T, p.His773Tyr (NM_001375821.1); short protein forms H749Y, H770Y, H771Y, H773Y, H774Y.
Identifiers: ClinVar variation 5018273 (VCV005018273.1).